The following is an entry in ClinVar:

NM_000257.4(MYH7):c.2997del (p.Gln1000fs)

Gene: MYH7 (myosin heavy chain 7; minus strand). Cytogenetic location: 14q11.2.
Variant type: Deletion.
Coding change: c.2997del on transcript NM_000257.4 (MANE Select); coding-DNA position 2997, one base deleted (G; older notation c.2997delG).
Protein change: p.Gln1000fs; shifts the reading frame from glutamine 1000.
Molecular consequence: frameshift variant.
Genome position (GRCh38, 1-based): chr14:23,423,649, C deleted on the plus strand (G on the coding strand, the reverse complement: MYH7 is on the minus strand). VCF-style (leftmost placement, unchanged base first): chr14-23423648-GC-G. GRCh37 (hg19) VCF-style: chr14-23892857-GC-G.
Other names: short protein forms Q1000fs.
Identifiers: ClinVar variation 1321389 (VCV001321389.1), dbSNP rs2138662562, ClinGen allele CA2573053878.

ClinVar aggregate classification (germline): Uncertain significance (1 of 4 stars; one submission).

Submission:

Women's Health and Genetics/Laboratory Corporation of America, LabCorp
Classification: Uncertain significance. Last evaluated: 2021-10-19. Review status: criteria provided, single submitter. Criteria: LabCorp Variant Classification Summary - May 2015. Collection method: clinical testing. Allele origin: germline.
Comment: Variant summary: MYH7 c.2997delG (p.Gln1000LysfsX21) results in a premature termination codon, predicted to cause a truncation of the encoded protein or absence of the protein due to nonsense mediated decay, which are not commonly known mechanisms for disease. The variant was absent in 251492 control chromosomes. The available data on variant occurrences in the general population are insufficient to allow any conclusion about variant significance. c.2997delG has been reported in the literature in one individual affected with left ventricular noncompaction cardiomyopathy (Mehaney_2021). This report does not provide unequivocal conclusions about association of the variant with Cardiomyopathy. To our knowledge, no experimental evidence demonstrating an impact on protein function has been reported. No clinical diagnostic laboratories have submitted clinical-significance assessments for this variant to ClinVar after 2014. Based on the evidence outlined above, the variant was classified as uncertain significance.

Literature cited by the submitters: PubMed 34036930.